The following is an entry in ClinVar:

ClinVar aggregate classification (germline): Pathogenic (1 of 4 stars; one submission).

Submission:

Labcorp Genetics (formerly Invitae), Labcorp
Classification: Pathogenic. Last evaluated: 2022-12-27. Review status: criteria provided, single submitter. Criteria: Invitae Variant Classification Sherloc (09022015). Collection method: clinical testing. Allele origin: unknown.
Comment: This variant is a gross deletion of the genomic region encompassing exon(s) 2-8 of the ANKS1B gene. This deletion is out-of-frame, and is expected to create a premature termination codon and result in an absent or disrupted protein product. Loss-of-function variants in ANKS1B are known to be pathogenic (PMID: 31388001). For these reasons, this variant has been classified as Pathogenic. This variant has not been reported in the literature in individuals affected with ANKS1B-related conditions.

Literature cited by the submitters: PubMed 31388001.

NC_000012.11:g.(?_100091767)_(100270969_?)del

Gene: ANKS1B (ankyrin repeat and sterile alpha motif domain containing 1B; minus strand). Cytogenetic location: 12q23.1.
Variant type: Deletion.
Identifiers: ClinVar variation 3244442 (VCV003244442.1).